The following is an entry in ClinVar:

ClinVar aggregate classification (germline): Uncertain significance. Review status: criteria provided, multiple submitters, no conflicts (2 of 4 stars). 2 submissions from 2 submitters: Uncertain significance (2). Last evaluated 2024-01-29.

Conditions:
Charcot-Marie-Tooth disease type 4. Also called: Charcot-Marie-Tooth, Type 4; Charcot-Marie-Tooth disease, type IV. Identifiers: Orphanet 64749, MedGen C4082197, MONDO:0018995.
Inborn genetic diseases. Identifiers: MedGen C0950123, MeSH D030342.

Allele frequency attached by ClinVar (database versions not stated): gnomAD exomes below 0.00001; TOPMed below 0.00001; gnomAD 0.00001.
gnomAD v4.1: 4 of 1,613,690 alleles (0.00025%); highest among the groups gnomAD compares: Admixed American, 0.0017%; no homozygotes.

Submissions (2):

Ambry Genetics
Classification: Uncertain significance for Inborn genetic diseases. Last evaluated: 2024-01-29. Review status: criteria provided, single submitter. Criteria: Ambry Variant Classification Scheme 2023. Collection method: clinical testing. Allele origin: germline.

Labcorp Genetics (formerly Invitae), Labcorp
Classification: Uncertain significance for Charcot-Marie-Tooth disease type 4. Last evaluated: 2023-08-17. Review status: criteria provided, single submitter. Criteria: Invitae Variant Classification Sherloc (09022015). Collection method: clinical testing. Allele origin: germline.
Comment: This sequence change replaces proline, which is neutral and non-polar, with serine, which is neutral and polar, at codon 532 of the SBF2 protein (p.Pro532Ser). This variant is not present in population databases (gnomAD no frequency). This variant has not been reported in the literature in individuals affected with SBF2-related conditions. ClinVar contains an entry for this variant (Variation ID: 543395). Advanced modeling of protein sequence and biophysical properties (such as structural, functional, and spatial information, amino acid conservation, physicochemical variation, residue mobility, and thermodynamic stability) performed at Invitae indicates that this missense variant is not expected to disrupt SBF2 protein function. In summary, the available evidence is currently insufficient to determine the role of this variant in disease. Therefore, it has been classified as a Variant of Uncertain Significance.

NM_030962.4(SBF2):c.1594C>T (p.Pro532Ser)

Gene: SBF2 (SET binding factor 2; minus strand). Cytogenetic location: 11p15.4.
Variant type: single nucleotide variant.
Coding change: c.1594C>T on transcript NM_030962.4 (MANE Select); coding-DNA position 1594, C replaced by T.
Protein change: p.Pro532Ser; replaces proline 532 with serine.
Molecular consequence: missense variant.
Genome position (GRCh38, 1-based): chr11:9,968,347, G>A on the plus strand (C>T on the coding strand, the complement: SBF2 is on the minus strand). VCF-style: chr11-9968347-G-A. GRCh37 (hg19) VCF-style: chr11-9989894-G-A.
Other names: c.1594C>T, p.Pro532Ser (NM_001386339.1); c.1465C>T, p.Pro489Ser (NM_001386342.1); short protein forms P532S, P489S.
Identifiers: ClinVar variation 543395 (VCV000543395.8), dbSNP rs1001858508, ClinGen allele CA217667788.